The following is an entry in ClinVar:

NM_005544.3(IRS1):c.3406G>A (p.Glu1136Lys)

Gene: IRS1 (insulin receptor substrate 1; minus strand). Cytogenetic location: 2q36.3.
Variant type: single nucleotide variant.
Coding change: c.3406G>A on transcript NM_005544.3 (MANE Select); coding-DNA position 3406, G replaced by A.
Protein change: p.Glu1136Lys; replaces glutamic acid 1136 with lysine.
Molecular consequence: missense variant.
Genome position (GRCh38, 1-based): chr2:226,795,333, C>T on the plus strand (G>A on the coding strand, the complement: IRS1 is on the minus strand). VCF-style: chr2-226795333-C-T. GRCh37 (hg19) VCF-style: chr2-227660049-C-T.
Other names: c.3406G>A (NM_005544.2); short protein forms E1136K.
Identifiers: ClinVar variation 1050448 (VCV001050448.3), dbSNP rs200142054, ClinGen allele CA2142855.

ClinVar aggregate classification (germline): Conflicting classifications of pathogenicity. Review status: no assertion criteria provided (0 of 4 stars). 2 submissions from 2 submitters: Uncertain significance (1); Likely benign (1). Last evaluated 2022-03-10.

Conditions:
IRS1-related disorder. Also called: IRS1-related condition.

Allele frequency attached by ClinVar (database versions not stated): ESP Exome Variant Server 0.00023; TOPMed 0.00052; gnomAD 0.00056; 1000 Genomes Project 30x 0.00062; 1000 Genomes Project 0.00080.
gnomAD v4.1: 310 of 1,613,394 alleles (0.019%); highest among the groups gnomAD compares: African/African-American, 0.21%; 1 homozygote.

Submissions (2):

PreventionGenetics, part of Exact Sciences
Classification: Likely benign for IRS1-related condition. Last evaluated: 2022-03-10. Review status: no assertion criteria provided. Collection method: clinical testing. Allele origin: germline.
Comment: This variant is classified as likely benign based on ACMG/AMP sequence variant interpretation guidelines (Richards et al. 2015 PMID: 25741868, with internal and published modifications).

Department of Pathology and Laboratory Medicine, Sinai Health System
Classification: Uncertain significance. Review status: no assertion criteria provided. Collection method: clinical testing. Allele origin: unknown. Affected: yes. Study: The Canadian Open Genetics Repository (COGR).
Comment: The IRS1 p.Glu1136Lys variant was identified in the literature somatically in a soft tissue sarcoma tumor from a cohort of 207 sarcoma patients (Barretina_2010_PMID:20601955). The variant was identified in dbSNP (ID: rs200142054) and LOVD 3.0 (classified as likely benign); the variant was not identified in ClinVar. The variant was identified in control databases in 73 of 281490 chromosomes at a frequency of 0.0002593 (Genome Aggregation Database March 6, 2019, v2.1.1). The variant was observed in the following populations: African in 49 of 24882 chromosomes (freq: 0.001969), Latino in 16 of 35412 chromosomes (freq: 0.000452), Other in 2 of 7196 chromosomes (freq: 0.000278), East Asian in 1 of 19918 chromosomes (freq: 0.00005), European (Finnish) in 1 of 24510 chromosomes (freq: 0.000041), South Asian in 1 of 30604 chromosomes (freq: 0.000033) and European (non-Finnish) in 3 of 128634 chromosomes (freq: 0.000023), but was not observed in the Ashkenazi Jewish population. The p.Glu1136 residue is conserved in mammals but not in more distantly related organisms however computational analyses (PolyPhen-2, SIFT, AlignGVGD, BLOSUM, MutationTaster) do not suggest a high likelihood of impact to the protein; this information is not predictive enough to rule out pathogenicity. The variant occurs outside of the splicing consensus sequence and in silico or computational prediction software programs (SpliceSiteFinder, MaxEntScan, NNSPLICE, GeneSplicer) do not predict a difference in splicing. In summary, based on the above information the clinical significance of this variant cannot be determined with certainty at this time. This variant is classified as a variant of uncertain significance.